The following is an entry in ClinVar:

ClinVar aggregate classification (germline): Uncertain significance (1 of 4 stars; one submission).

Conditions:
Hereditary spastic paraplegia 28. Also called: Spastic paraplegia 28, autosomal recessive. Identifiers: Orphanet 101008, MedGen C1836295, MONDO:0012256, OMIM 609340.

Allele frequency attached by ClinVar (database versions not stated): gnomAD exomes below 0.00001; gnomAD 0.00001; TOPMed 0.00001.
gnomAD v4.1: 5 of 1,426,540 alleles (0.00035%); highest among the groups gnomAD compares: South Asian, 0.0015%; no homozygotes.

Submission:

Labcorp Genetics (formerly Invitae), Labcorp
Classification: Uncertain significance for Hereditary spastic paraplegia 28. Last evaluated: 2021-08-20. Review status: criteria provided, single submitter. Criteria: Invitae Variant Classification Sherloc (09022015). Collection method: clinical testing. Allele origin: germline.
Comment: The frequency data for this variant in the population databases is considered unreliable, as metrics indicate insufficient coverage at this position in the ExAC database. In summary, the available evidence is currently insufficient to determine the role of this variant in disease. Therefore, it has been classified as a Variant of Uncertain Significance. Algorithms developed to predict the effect of missense changes on protein structure and function are either unavailable or do not agree on the potential impact of this missense change (SIFT: "Tolerated"; PolyPhen-2: "Probably Damaging"; Align-GVGD: "Class C0"). This variant has not been reported in the literature in individuals affected with DDHD1-related conditions. This sequence change replaces asparagine with serine at codon 2 of the DDHD1 protein (p.Asn2Ser). The asparagine residue is weakly conserved and there is a small physicochemical difference between asparagine and serine.

NM_001160148.2(DDHD1):c.5A>G (p.Asn2Ser)

Gene: DDHD1 (DDHD domain containing 1; minus strand). Cytogenetic location: 14q22.1.
Variant type: single nucleotide variant.
Coding change: c.5A>G on transcript NM_001160148.2 (MANE Select); coding-DNA position 5, A replaced by G.
Protein change: p.Asn2Ser; replaces asparagine 2 with serine.
Molecular consequence: missense variant.
Genome position (GRCh38, 1-based): chr14:53,153,094, T>C on the plus strand (A>G on the coding strand, the complement: DDHD1 is on the minus strand). VCF-style: chr14-53153094-T-C. GRCh37 (hg19) VCF-style: chr14-53619812-T-C.
Other names: c.5A>G, p.Asn2Ser (NM_001160147.2, NM_030637.3); short protein forms N2S.
Identifiers: ClinVar variation 1410732 (VCV001410732.8), dbSNP rs1244792265, ClinGen allele CA389782231.
Genomic context (GRCh38, chr14:53,153,094, plus strand): 5'-CCGCCGCCGCCGCCTCGGCCGTTATGCTCGGGGCTCCGTGGGGACCCGCGGCCCGGGTAA[T>C]TCATGCTGTGGAGACGCCGCCGGCTGTCCGGCGGCGCGCGGAGCCGTGACCCCCAGCGCT-3'
Protein context (NP_001153620.1, residues 1-12): M[Asn2Ser]YPGRGSPRSP